The following is an entry in ClinVar:

ClinVar aggregate classification (germline): Likely pathogenic (1 of 4 stars; one submission).

Conditions:
RYR1-related disorder. Also called: RYR1-related condition; RYR1-related disorders. Identifiers: MedGen CN239331.

Submission:

Labcorp Genetics (formerly Invitae), Labcorp
Classification: Likely pathogenic for RYR1-related disorder. Last evaluated: 2021-05-17. Review status: criteria provided, single submitter. Criteria: Invitae Variant Classification Sherloc (09022015). Collection method: clinical testing. Allele origin: germline.
Comment: This sequence change replaces arginine with serine at codon 530 of the RYR1 protein (p.Arg530Ser). The arginine residue is highly conserved and there is a moderate physicochemical difference between arginine and serine. This variant is not present in population databases (ExAC no frequency). This variant has not been reported in the literature in individuals with RYR1-related conditions. Advanced modeling of protein sequence and biophysical properties (such as structural, functional, and spatial information, amino acid conservation, physicochemical variation, residue mobility, and thermodynamic stability) performed at Invitae indicates that this missense variant is expected to disrupt RYR1 protein function. Algorithms developed to predict the effect of sequence changes on RNA splicing suggest that this variant may create or strengthen a splice site, but this prediction has not been confirmed by published transcriptional studies. This variant disrupts the p.Arg530 amino acid residue in RYR1. Other variant(s) that disrupt this residue have been determined to be pathogenic (PMID: 19191333, 16917943, 19191329, 26578207, 27646467). This suggests that this residue is clinically significant, and that variants that disrupt this residue are likely to be disease-causing. In summary, the currently available evidence indicates that the variant is pathogenic, but additional data are needed to prove that conclusively. Therefore, this variant has been classified as Likely Pathogenic.

Literature cited by the submitters: PubMed 19191333; PubMed 16917943; PubMed 19191329; PubMed 26578207; PubMed 27646467.

NM_000540.3(RYR1):c.1588C>A (p.Arg530Ser)

Gene: RYR1 (ryanodine receptor 1; plus strand). Cytogenetic location: 19q13.2.
Variant type: single nucleotide variant.
Coding change: c.1588C>A on transcript NM_000540.3 (MANE Select); coding-DNA position 1588, C replaced by A.
Protein change: p.Arg530Ser; replaces arginine 530 with serine.
Molecular consequence: missense variant.
Genome position (GRCh38, 1-based): chr19:38,455,462, C>A. VCF-style: chr19-38455462-C-A. GRCh37 (hg19) VCF-style: chr19-38946102-C-A.
Other names: c.1588C>A, p.Arg530Ser (NM_001042723.2); short protein forms R530S.
Identifiers: ClinVar variation 1500771 (VCV001500771.8), dbSNP rs757399861, ClinGen allele CA405689657.